The following is an entry in ClinVar:

NM_000038.6(APC):c.5011G>A (p.Ala1671Thr)

Gene: APC (APC regulator of Wnt signaling pathway; plus strand). Cytogenetic location: 5q22.2.
Variant type: single nucleotide variant.
Coding change: c.5011G>A on transcript NM_000038.6 (MANE Select); coding-DNA position 5011, G replaced by A.
Protein change: p.Ala1671Thr; replaces alanine 1671 with threonine.
Molecular consequence: missense variant.
Genome position (GRCh38, 1-based): chr5:112,840,605, G>A. VCF-style: chr5-112840605-G-A. GRCh37 (hg19) VCF-style: chr5-112176302-G-A.
Other names: c.5011G>A, p.Ala1671Thr (NM_001127510.3, NM_001354895.2); c.4957G>A, p.Ala1653Thr (NM_001127511.3); c.5065G>A, p.Ala1689Thr (NM_001354896.2); c.5041G>A, p.Ala1681Thr (NM_001354897.2); c.4936G>A, p.Ala1646Thr (NM_001354898.2); c.4927G>A, p.Ala1643Thr (NM_001354899.2); c.4888G>A, p.Ala1630Thr (NM_001354900.2); c.4834G>A, p.Ala1612Thr (NM_001354901.2); and 5 more; short protein forms A1653T, A1671T, A1388T, A1545T, A1612T, A1681T, A1689T, A1580T.
Identifiers: ClinVar variation 411500 (VCV000411500.21), dbSNP rs587781600, ClinGen allele CA16032296.

ClinVar aggregate classification (germline): Uncertain significance. Review status: criteria provided, multiple submitters, no conflicts (2 of 4 stars). 6 submissions from 6 submitters: Uncertain significance (6). Last evaluated 2025-06-14.

Conditions:
Familial adenomatous polyposis 1 (FAP1). Also called: FAMILIAL ADENOMATOUS POLYPOSIS 1, ATTENUATED; POLYPOSIS, ADENOMATOUS INTESTINAL. Identifiers: MedGen C2713442, MONDO:0021056, OMIM 175100. Disease mechanism: loss of function.
Gastric adenocarcinoma and proximal polyposis of the stomach (GAPPS). Also called: POLYPOSIS, GASTRIC; Gastric Adenocarcinoma and Proximal Polyposis of the Stomach (GAPPS); Polyposis, gastric, Dos Santos and de Magalhaes 1980. Identifiers: Orphanet 314022, MedGen C4749917, MONDO:0017790, OMIM 619182.
Desmoid disease, hereditary (DESMD). Also called: FIBROMATOSIS, FAMILIAL INFILTRATIVE. Identifiers: Orphanet 873, MedGen C1851124, OMIM 135290. Disease mechanism: loss of function.
Hepatocellular carcinoma (HCC). Also called: Primary carcinoma of liver; HEPATOMA; LIVER CELL CARCINOMA. Identifiers: Orphanet 88673, MedGen C2239176, MONDO:0007256, OMIM 114550, HP:0001402.
Gastric cancer. Also called: Malignant tumor of stomach; Stomach cancer. Identifiers: MedGen C0024623, MeSH D013274, MONDO:0001056, OMIM 613659, HP:0012126.
Colorectal cancer. Also called: Malignant Colorectal Neoplasm; Colorectal cancer, somatic. Identifiers: MedGen C0346629, MONDO:0005575, OMIM 114500.
Classic or attenuated familial adenomatous polyposis. Identifiers: MedGen CN372698, MONDO:0021057.
Hereditary cancer-predisposing syndrome. Also called: Neoplastic Syndromes, Hereditary; Hereditary Cancer Syndrome; Hereditary neoplastic syndrome; Tumor predisposition. Identifiers: Orphanet 140162, MedGen C0027672, MeSH D009386, MONDO:0015356.

Allele frequency attached by ClinVar (database versions not stated): gnomAD exomes below 0.00001.
gnomAD v4.1: 3 of 1,614,102 alleles (0.00019%); highest among the groups gnomAD compares: Admixed American, 0.0017%; no homozygotes.

Submissions (6):

Labcorp Genetics (formerly Invitae), Labcorp
Classification: Uncertain significance for Familial adenomatous polyposis 1. Last evaluated: 2025-06-14. Review status: criteria provided, single submitter. Criteria: Invitae Variant Classification Sherloc (09022015). Collection method: clinical testing. Allele origin: germline.
Comment: This sequence change replaces alanine, which is neutral and non-polar, with threonine, which is neutral and polar, at codon 1671 of the APC protein (p.Ala1671Thr). This variant is present in population databases (no rsID available, gnomAD 0.003%). This variant has not been reported in the literature in individuals affected with APC-related conditions. ClinVar contains an entry for this variant (Variation ID: 411500). Invitae Evidence Modeling of protein sequence and biophysical properties (such as structural, functional, and spatial information, amino acid conservation, physicochemical variation, residue mobility, and thermodynamic stability) indicates that this missense variant is not expected to disrupt APC protein function with a negative predictive value of 95%. In summary, the available evidence is currently insufficient to determine the role of this variant in disease. Therefore, it has been classified as a Variant of Uncertain Significance.

Ambry Genetics
Classification: Uncertain significance for Hereditary cancer-predisposing syndrome. Last evaluated: 2023-12-13. Review status: criteria provided, single submitter. Criteria: Ambry Variant Classification Scheme 2023. Collection method: clinical testing. Allele origin: germline.
Comment: The p.A1671T variant (also known as c.5011G>A), located in coding exon 15 of the APC gene, results from a G to A substitution at nucleotide position 5011. The alanine at codon 1671 is replaced by threonine, an amino acid with similar properties. This amino acid position is not well conserved in available vertebrate species. In addition, in silico predictors for this gene do not accurately predict pathogenicity. Since supporting evidence is limited at this time, the clinical significance of this alteration remains unclear.

All of Us Research Program, National Institutes of Health
Classification: Uncertain significance for Classic or attenuated familial adenomatous polyposis. Last evaluated: 2023-07-19. Review status: criteria provided, single submitter. Criteria: ACMG Guidelines, 2015. Collection method: clinical testing. Allele origin: germline. Inheritance: Autosomal dominant inheritance. Observed: 1 variant allele, 1 heterozygote.
Comment: This missense variant replaces alanine with threonine at codon 1671 of the APC protein. Computational prediction suggests that this variant may not impact protein structure and function (internally defined REVEL score threshold <= 0.5, PMID: 27666373). To our knowledge, functional studies have not been reported for this variant. This variant has not been reported in individuals affected with APC-related disorders in the literature. This variant has been identified in 1/250240 chromosomes in the general population by the Genome Aggregation Database (gnomAD). The available evidence is insufficient to determine the role of this variant in disease conclusively. Therefore, this variant is classified as a Variant of Uncertain Significance.

This study involves interpretation of variants in research participants for the purpose of population health screening. Participant phenotype was not available at the time of variant classification. Additional details can be found in publication PMID: 35346344, PMCID: PMC8962531

Color Diagnostics, LLC DBA Color Health
Classification: Uncertain significance for Hereditary cancer-predisposing syndrome. Last evaluated: 2023-05-23. Review status: criteria provided, single submitter. Criteria: ACMG Guidelines, 2015. Collection method: clinical testing. Allele origin: germline.
Comment: This missense variant replaces alanine with threonine at codon 1671 of the APC protein. Computational prediction suggests that this variant may not impact protein structure and function (internally defined REVEL score threshold <= 0.5, PMID: 27666373). To our knowledge, functional studies have not been reported for this variant. This variant has not been reported in individuals affected with APC-related disorders in the literature. This variant has been identified in 1/250240 chromosomes in the general population by the Genome Aggregation Database (gnomAD). The available evidence is insufficient to determine the role of this variant in disease conclusively. Therefore, this variant is classified as a Variant of Uncertain Significance.

Fulgent Genetics
Classification: Uncertain significance for Colorectal cancer; Hepatocellular carcinoma; Desmoid disease, hereditary; Familial adenomatous polyposis 1; Gastric cancer; Gastric adenocarcinoma and proximal polyposis of the stomach. Last evaluated: 2022-04-02. Review status: criteria provided, single submitter. Criteria: ACMG Guidelines, 2015. Collection method: clinical testing. Allele origin: unknown.

GeneDx
Classification: Uncertain significance. Last evaluated: 2021-02-18. Review status: criteria provided, single submitter. Criteria: GeneDx Variant Classification Process June 2021. Collection method: clinical testing. Allele origin: germline. Affected: yes.
Comment: Not observed at a significant frequency in large population cohorts (Lek et al., 2016); In silico analysis supports that this missense variant does not alter protein structure/function; Has not been previously published as pathogenic or benign to our knowledge